The following is an entry in ClinVar:

ClinVar aggregate classification (germline): Likely pathogenic (1 of 4 stars; one submission).

Conditions:
Asphyxiating thoracic dystrophy 3. Also called: SHORT-RIB THORACIC DYSPLASIA 3 WITH OR WITHOUT POLYDACTYLY; SHORT-RIB THORACIC DYSPLASIA 3/6 WITH POLYDACTYLY, DIGENIC; POLYDACTYLY WITH NEONATAL CHONDRODYSTROPHY, TYPE I; Short rib polydactyly syndrome 2B; Saldino-Noonan Syndrome. Identifiers: Orphanet 474, Orphanet 93269, Orphanet 93270, Orphanet 93271, MedGen C0036069, MONDO:0013127, OMIM 613091.

Submission:

Myriad Genetics, Inc.
Classification: Likely pathogenic for Asphyxiating thoracic dystrophy 3. Last evaluated: 2025-04-30. Review status: criteria provided, single submitter. Criteria: Myriad Autosomal Dominant, Autosomal Recessive and X-Linked Classification Criteria (2023). Collection method: clinical testing. Allele origin: unknown.
Comment: NM_001377.2(DYNC2H1):c.9107+1G>A is a variant in a canonical splice site classified as likely pathogenic in the context of DYNC2H1-related disorders. c.9107+1G>A has not been observed in cases with relevant disease. Relevant functional assessments of this variant are not available in the literature. c.9107+1G>A has not been observed in referenced population frequency databases. In summary, NM_001377.2(DYNC2H1):c.9107+1G>A is a variant in a canonical splice site in a gene where loss of function is a known mechanism of disease and is predicted to disrupt protein function. Please note: this variant was assessed in the context of healthy population screening.

NM_001377.3(DYNC2H1):c.9107+1G>A

Gene: DYNC2H1 (dynein cytoplasmic 2 heavy chain 1; plus strand). Cytogenetic location: 11q22.3.
Variant type: single nucleotide variant.
Coding change: c.9107+1G>A on transcript NM_001377.3 (MANE Select); the canonical splice donor site of the intron after coding-DNA position 9107, G replaced by A.
Molecular consequence: splice donor variant.
Genome position (GRCh38, 1-based): chr11:103,220,784, G>A. VCF-style: chr11-103220784-G-A. GRCh37 (hg19) VCF-style: chr11-103091513-G-A.
Other names: c.9107+1G>A (NM_001080463.2).
Identifiers: ClinVar variation 4081634 (VCV004081634.1).